The following is an entry in ClinVar:

NM_021625.5(TRPV4):c.2517C>T (p.Asp839=)

Gene: TRPV4 (transient receptor potential cation channel subfamily V member 4; minus strand). Cytogenetic location: 12q24.11.
Variant type: single nucleotide variant.
Coding change: c.2517C>T on transcript NM_021625.5 (MANE Select); coding-DNA position 2517, C replaced by T.
Protein change: p.Asp839=; no amino-acid change (aspartic acid 839 retained).
Molecular consequence: synonymous variant.
Genome position (GRCh38, 1-based): chr12:109,783,720, G>A on the plus strand (C>T on the coding strand, the complement: TRPV4 is on the minus strand). VCF-style: chr12-109783720-G-A. GRCh37 (hg19) VCF-style: chr12-110221525-G-A.
Other names: c.2376C>T, p.Asp792= (NM_001177428.2); c.2415C>T, p.Asp805= (NM_001177431.2); c.2196C>T, p.Asp732= (NM_001177433.2); c.2337C>T, p.Asp779= (NM_147204.3).
Identifiers: ClinVar variation 307121 (VCV000307121.14), dbSNP rs546957932, ClinGen allele CA6779868.

ClinVar aggregate classification (germline): Benign/Likely benign. Review status: criteria provided, multiple submitters, no conflicts (2 of 4 stars). 8 submissions from 3 submitters: Benign (6); Likely benign (2). Last evaluated 2024-11-04.

Conditions:
Charcot-Marie-Tooth disease. Also called: Charcot-Marie-Tooth Neuropathy; Charcot-Marie-Tooth Hereditary Neuropathy. Identifiers: Orphanet 166, MedGen C0007959, MONDO:0015626.
Scapuloperoneal spinal muscular atrophy (SPSMA). Also called: Scapuloperoneal Spinal Muscular Atrophy, TRPV4-Related; AMYOTROPHY, NEUROGENIC SCAPULOPERONEAL, NEW ENGLAND TYPE; Scapuloperoneal Form of Spinal Muscular Atrophy; Scapuloperoneal spinal muscular atrophy, autosomal dominant. Identifiers: Orphanet 431255, MedGen C0751335, MONDO:0008408, OMIM 181405.
Charcot-Marie-Tooth disease axonal type 2C (HMSN2C). Also called: Charcot-Marie-Tooth Disease Type 2, TRPV4-Related (CMT2C); CHARCOT-MARIE-TOOTH DISEASE, AXONAL, AUTOSOMAL DOMINANT, TYPE 2C; Charcot-Marie-Tooth Neuropathy Type 2C. Identifiers: Orphanet 99937, MedGen C1853710, MONDO:0011633, OMIM 606071.
Brachyrachia (short spine dysplasia) (BCYM3). Also called: BRACHYRACHIA; Autosomal dominant brachyolmia; Brachyolmia, TRPV4-Related; Brachyolmia Type 3. Identifiers: Orphanet 93304, MedGen C0432227, MONDO:0007232, OMIM 113500.
Neuronopathy, distal hereditary motor, autosomal dominant 8. Also called: Autosomal dominant congenital benign spinal muscular atrophy; SPINAL MUSCULAR ATROPHY, CONGENITAL BENIGN, WITH CONTRACTURES; NEURONOPATHY, DISTAL HEREDITARY MOTOR, TYPE VIII; NEUROPATHY, DISTAL HEREDITARY MOTOR, TYPE VIII. Identifiers: Orphanet 1216, MedGen C1838492, MONDO:0010839, OMIM 600175.
Metatropic dysplasia (MTD). Also called: Metatropic Dysplasia, TRPV4-Related; METATROPIC DWARFISM; Metatropic dysplasia, nonlethal dominant. Identifiers: Orphanet 2635, MedGen C0265281, MONDO:0007986, OMIM 156530.
Spondylometaphyseal dysplasia, Kozlowski type (SMDK). Also called: Dysmorphism arthrogryposis skeletal maturation advanced; Jequier-Kozlowski syndrome; Skeletal dysplasia Jequier-Kozlowski type; SMD Kozlowski type; Spondylometaphyseal Dysplasia, TRPV4-Related (Kozlowski Type). Identifiers: Orphanet 93314, MedGen C0265280, MONDO:0008477, OMIM 184252.

Allele frequency attached by ClinVar (database versions not stated): TOPMed 0.00006; gnomAD 0.00007 and 0.00011; gnomAD exomes 0.00014 and 0.00027; ExAC 0.00032; 1000 Genomes Project 30x 0.00078; 1000 Genomes Project 0.00080.

Submissions (8):

Labcorp Genetics (formerly Invitae), Labcorp
Classification: Benign for Charcot-Marie-Tooth disease axonal type 2C. Last evaluated: 2024-11-04. Review status: criteria provided, single submitter. Criteria: Invitae Variant Classification Sherloc (09022015). Collection method: clinical testing. Allele origin: germline.

Illumina Laboratory Services, Illumina
Classification: Likely benign for Charcot-Marie-Tooth disease axonal type 2C. Last evaluated: 2018-01-13. Review status: criteria provided, single submitter. Criteria: ICSL Variant Classification Criteria 13 December 2019. Collection method: clinical testing. Allele origin: germline.
Comment: This variant was observed in the ICSL laboratory as part of a predisposition screen in an ostensibly healthy population. It had not been previously curated by ICSL or reported in the Human Gene Mutation Database (HGMD: prior to June 1st, 2018), and was therefore a candidate for classification through an automated scoring system. Utilizing variant allele frequency, disease prevalence and penetrance estimates, and inheritance mode, an automated score was calculated to assess if this variant is too frequent to cause the disease. Based on the score and internal cut-off values, a variant classified as likely benign is not then subjected to further curation. The score for this variant resulted in a classification of likely benign for this disease.

Illumina Laboratory Services, Illumina
Classification: Benign for Brachyrachia (short spine dysplasia). Last evaluated: 2018-01-13. Review status: criteria provided, single submitter. Criteria: ICSL Variant Classification Criteria 13 December 2019. Collection method: clinical testing. Allele origin: germline.
Comment: This variant was observed in the ICSL laboratory as part of a predisposition screen in an ostensibly healthy population. It had not been previously curated by ICSL or reported in the Human Gene Mutation Database (HGMD: prior to June 1st, 2018), and was therefore a candidate for classification through an automated scoring system. Utilizing variant allele frequency, disease prevalence and penetrance estimates, and inheritance mode, an automated score was calculated to assess if this variant is too frequent to cause the disease. Based on the score and internal cut-off values, a variant classified as benign is not then subjected to further curation. The score for this variant resulted in a classification of benign for this disease.

Illumina Laboratory Services, Illumina
Classification: Benign for Neuronopathy, distal hereditary motor, autosomal dominant 8. Last evaluated: 2018-01-13. Review status: criteria provided, single submitter. Criteria: ICSL Variant Classification Criteria 13 December 2019. Collection method: clinical testing. Allele origin: germline.
Comment: the same text as in the submission from Illumina Laboratory Services, Illumina above.

Illumina Laboratory Services, Illumina
Classification: Benign for Metatropic dysplasia. Last evaluated: 2018-01-13. Review status: criteria provided, single submitter. Criteria: ICSL Variant Classification Criteria 13 December 2019. Collection method: clinical testing. Allele origin: germline.
Comment: the same text as in the submission from Illumina Laboratory Services, Illumina above.

Illumina Laboratory Services, Illumina
Classification: Benign for Spondylometaphyseal dysplasia, Kozlowski type. Last evaluated: 2018-01-13. Review status: criteria provided, single submitter. Criteria: ICSL Variant Classification Criteria 13 December 2019. Collection method: clinical testing. Allele origin: germline.
Comment: the same text as in the submission from Illumina Laboratory Services, Illumina above.

Illumina Laboratory Services, Illumina
Classification: Benign for Scapuloperoneal spinal muscular atrophy. Last evaluated: 2018-01-13. Review status: criteria provided, single submitter. Criteria: ICSL Variant Classification Criteria 13 December 2019. Collection method: clinical testing. Allele origin: germline.
Comment: the same text as in the submission from Illumina Laboratory Services, Illumina above.

Molecular Genetics Laboratory, London Health Sciences Centre
Classification: Likely benign for Charcot-Marie-Tooth disease. Review status: criteria provided, single submitter. Criteria: ACMG Guidelines, 2015. Collection method: clinical testing. Allele origin: germline. Affected: yes.